The following is an entry in ClinVar:

ClinVar aggregate classification (germline): Likely pathogenic (1 of 4 stars; one submission).

Conditions:
Autosomal recessive polycystic kidney disease (ARPKD). Also called: AR polycystic kidney disease. Identifiers: Orphanet 731, Orphanet 8378, MedGen C0085548, MeSH D017044, MONDO:0009889.

Submission:

Natera, Inc.
Classification: Likely pathogenic for Autosomal recessive polycystic kidney disease. Last evaluated: 2024-09-17. Review status: criteria provided, single submitter. Criteria: Natera Variant Classification Schema (03/2026). Collection method: clinical testing. Allele origin: germline.
Comment: The c.3197C>G variant in PKHD1 is a nonsense variant predicted to introduce a stop codon at amino acid 1066. This variant is expected to result in nonsense mediated decay, truncation, or a dysfunctional protein product. This variant is rare in the general population with a frequency below the threshold expected for the associated phenotype(s). Given the available evidence, this variant is classified as Likely Pathogenic.

NM_138694.4(PKHD1):c.3197C>G (p.Ser1066Ter)

Gene: PKHD1 (PKHD1 ciliary IPT domain containing fibrocystin/polyductin; minus strand). Cytogenetic location: 6p12.2.
Variant type: single nucleotide variant.
Coding change: c.3197C>G on transcript NM_138694.4 (MANE Select); coding-DNA position 3197, C replaced by G.
Protein change: p.Ser1066Ter; replaces serine 1066 with a stop codon.
Molecular consequence: nonsense.
Genome position (GRCh38, 1-based): chr6:52,035,622, G>C on the plus strand (C>G on the coding strand, the complement: PKHD1 is on the minus strand). VCF-style: chr6-52035622-G-C. GRCh37 (hg19) VCF-style: chr6-51900420-G-C.
Other names: c.3197C>G, p.Ser1066Ter (NM_170724.3); short protein forms S1066*.
Identifiers: ClinVar variation 4816628 (VCV004816628.1).
Genomic context (GRCh38, chr6:52,035,622, plus strand): 5'-AGAAAGAGATATGAAAGGAATCCACTTACCCTGGGTGGAACTTTGCACTGAATTCTGCTT[G>C]AATTGCTTGTAGCGACATTGATGGCACACGAGTAAGATCCAAATAATATCAGGCTAACAC-3'